The following is an entry in ClinVar:

NM_015450.3(POT1):c.119G>T (p.Gly40Val)

Gene: POT1 (protection of telomeres 1; minus strand). Cytogenetic location: 7q31.33.
Variant type: single nucleotide variant.
Coding change: c.119G>T on transcript NM_015450.3 (MANE Select); coding-DNA position 119, G replaced by T.
Protein change: p.Gly40Val; replaces glycine 40 with valine.
Molecular consequence: missense variant. On other transcripts: 5 prime UTR variant (1), non-coding transcript variant (3).
Genome position (GRCh38, 1-based): chr7:124,892,271, C>A on the plus strand (G>T on the coding strand, the complement: POT1 is on the minus strand). VCF-style: chr7-124892271-C-A. GRCh37 (hg19) VCF-style: chr7-124532325-C-A.
Other names: c.-144G>T (NM_001042594.2); short protein forms G40V.
Identifiers: ClinVar variation 1484849 (VCV001484849.6), dbSNP rs2116629512, ClinGen allele CA369065947.

ClinVar aggregate classification (germline): Uncertain significance (1 of 4 stars; one submission).

Conditions:
Tumor predisposition syndrome 3 (TPDS3). Also called: Melanoma, cutaneous malignant, susceptibility to, 10; LONG TELOMERE SYNDROME, POT1-RELATED; POT1 Tumor Predisposition; Glioma susceptibility 9. Identifiers: Orphanet 618, MedGen C4014476, MONDO:0014368, OMIM 615848.

Submission:

Labcorp Genetics (formerly Invitae), Labcorp
Classification: Uncertain significance for Tumor predisposition syndrome 3. Last evaluated: 2021-08-10. Review status: criteria provided, single submitter. Criteria: Invitae Variant Classification Sherloc (09022015). Collection method: clinical testing. Allele origin: germline.
Comment: In summary, the available evidence is currently insufficient to determine the role of this variant in disease. Therefore, it has been classified as a Variant of Uncertain Significance. Algorithms developed to predict the effect of sequence changes on RNA splicing suggest that this variant may create or strengthen a splice site. Algorithms developed to predict the effect of missense changes on protein structure and function are either unavailable or do not agree on the potential impact of this missense change (SIFT: "Deleterious"; PolyPhen-2: "Probably Damaging"; Align-GVGD: "Class C0"). This variant has not been reported in the literature in individuals affected with POT1-related conditions. This variant is not present in population databases (ExAC no frequency). This sequence change replaces glycine with valine at codon 40 of the POT1 protein (p.Gly40Val). The glycine residue is highly conserved and there is a moderate physicochemical difference between glycine and valine.